The following is an entry in ClinVar:

NM_001113491.2(SEPTIN9):c.784A>G (p.Lys262Glu)

Gene: SEPTIN9 (septin 9; plus strand). Cytogenetic location: 17q25.3.
Variant type: single nucleotide variant.
Coding change: c.784A>G on transcript NM_001113491.2 (MANE Select); coding-DNA position 784, A replaced by G.
Protein change: p.Lys262Glu; replaces lysine 262 with glutamic acid.
Molecular consequence: missense variant.
Genome position (GRCh38, 1-based): chr17:77,482,206, A>G. VCF-style: chr17-77482206-A-G. GRCh37 (hg19) VCF-style: chr17-75478288-A-G.
Other names: p.Lys244Glu; c.730A>G, p.Lys244Glu (NM_006640.5); c.292A>G, p.Lys98Glu (NM_001113492.2, NM_001113494.1); c.763A>G, p.Lys255Glu (NM_001113493.2); c.31A>G, p.Lys11Glu (NM_001113495.2, NM_001113496.2, NM_001293697.2 and 1 more transcripts); c.727A>G, p.Lys243Glu (NM_001293695.2); c.112A>G, p.Lys38Glu (NM_001293696.2); short protein forms K11E, K244E, K38E, K98E, K243E, K262E, K255E.
Identifiers: ClinVar variation 4542220 (VCV004542220.1).

ClinVar aggregate classification (germline): Uncertain significance (1 of 4 stars; one submission).

gnomAD v4.1: 1 of 1,611,896 alleles (0.000062%); highest among the groups gnomAD compares: Non-Finnish European, 0.000085%; no homozygotes.

Submission:

Mayo Clinic Laboratories, Mayo Clinic
Classification: Uncertain significance. Last evaluated: 2025-04-23. Review status: criteria provided, single submitter. Criteria: ACMG Guidelines, 2015. Collection method: clinical testing. Allele origin: germline. Observed: 1 variant allele.
Comment: BP4_moderate, PM2_supporting